The following is an entry in ClinVar:

NM_014140.4(SMARCAL1):c.92A>G (p.Glu31Gly)

Gene: SMARCAL1 (SNF2 related chromatin remodeling annealing helicase 1; plus strand). Cytogenetic location: 2q35.
Variant type: single nucleotide variant.
Coding change: c.92A>G on transcript NM_014140.4 (MANE Select); coding-DNA position 92, A replaced by G.
Protein change: p.Glu31Gly; replaces glutamic acid 31 with glycine.
Molecular consequence: missense variant.
Genome position (GRCh38, 1-based): chr2:216,414,796, A>G. VCF-style: chr2-216414796-A-G. GRCh37 (hg19) VCF-style: chr2-217279519-A-G.
Other names: c.92A>G, p.Glu31Gly (NM_001127207.2); short protein forms E31G.
Identifiers: ClinVar variation 1007534 (VCV001007534.6), dbSNP rs1237615679, ClinGen allele CA350496432.

ClinVar aggregate classification (germline): Uncertain significance (1 of 4 stars; one submission).

Conditions:
Schimke immuno-osseous dysplasia (SIOD). Also called: Schimke Immunoosseous Dysplasia. Identifiers: Orphanet 1830, MedGen C0877024, MONDO:0009458, OMIM 242900.

Allele frequency attached by ClinVar (database versions not stated): gnomAD exomes below 0.00001; TOPMed 0.00002.
gnomAD v4.1: 1 of 1,614,232 alleles (0.000062%); highest among the groups gnomAD compares: Non-Finnish European, 0.000085%; no homozygotes.

Submission:

Labcorp Genetics (formerly Invitae), Labcorp
Classification: Uncertain significance for Schimke immuno-osseous dysplasia. Last evaluated: 2021-08-31. Review status: criteria provided, single submitter. Criteria: Invitae Variant Classification Sherloc (09022015). Collection method: clinical testing. Allele origin: germline.
Comment: This sequence change replaces glutamic acid with glycine at codon 31 of the SMARCAL1 protein (p.Glu31Gly). The glutamic acid residue is weakly conserved and there is a moderate physicochemical difference between glutamic acid and glycine. This variant is not present in population databases (ExAC no frequency). This variant has not been reported in the literature in individuals affected with SMARCAL1-related conditions. Algorithms developed to predict the effect of missense changes on protein structure and function output the following: SIFT: "Tolerated"; PolyPhen-2: "Benign"; Align-GVGD: "Class C0". The glycine amino acid residue is found in multiple mammalian species, which suggests that this missense change does not adversely affect protein function. In summary, the available evidence is currently insufficient to determine the role of this variant in disease. Therefore, it has been classified as a Variant of Uncertain Significance.